The following is an entry in ClinVar:

NM_032043.3(BRIP1):c.380-14A>G

Gene: BRIP1 (BRCA1 interacting DNA helicase 1; minus strand). Cytogenetic location: 17q23.2.
Variant type: single nucleotide variant.
Coding change: c.380-14A>G on transcript NM_032043.3 (MANE Select); 14 bases into the intron before coding-DNA position 380, A replaced by G.
Molecular consequence: intron variant.
Genome position (GRCh38, 1-based): chr17:61,849,270, T>C on the plus strand (A>G on the coding strand, the complement: BRIP1 is on the minus strand). VCF-style: chr17-61849270-T-C. GRCh37 (hg19) VCF-style: chr17-59926631-T-C.
Identifiers: ClinVar variation 2039570 (VCV002039570.5), dbSNP rs1450090511, ClinGen allele CA2580094516.

ClinVar aggregate classification (germline): Uncertain significance. Review status: criteria provided, multiple submitters, no conflicts (2 of 4 stars). 2 submissions from 2 submitters: Uncertain significance (2). Last evaluated 2022-08-27.

Conditions:
Familial cancer of breast. Also called: Hereditary breast cancer; hereditary breast carcinoma; BREAST CANCER, FAMILIAL. Identifiers: Orphanet 227535, MedGen C0346153, MONDO:0016419, OMIM 114480. Disease mechanism: loss of function.
Fanconi anemia complementation group J. Also called: BRIP1-Related Fanconi Anemia. Identifiers: Orphanet 84, MedGen C1836860, MONDO:0012187, OMIM 609054.

Submissions (2):

Labcorp Genetics (formerly Invitae), Labcorp
Classification: Uncertain significance for Familial cancer of breast; Fanconi anemia complementation group J. Last evaluated: 2022-08-27. Review status: criteria provided, single submitter. Criteria: Invitae Variant Classification Sherloc (09022015). Collection method: clinical testing. Allele origin: germline.
Comment: This sequence change falls in intron 4 of the BRIP1 gene. It does not directly change the encoded amino acid sequence of the BRIP1 protein. This variant is not present in population databases (gnomAD no frequency). This variant has not been reported in the literature in individuals affected with BRIP1-related conditions. Studies have shown that this variant is associated with altered splicing resulting in unknown protein product impact (Invitae). In summary, the available evidence is currently insufficient to determine the role of this variant in disease. Therefore, it has been classified as a Variant of Uncertain Significance.

Baylor Genetics
Classification: Uncertain significance for Familial cancer of breast. Last evaluated: 2022-03-18. Review status: criteria provided, single submitter. Criteria: ACMG Guidelines, 2015. Collection method: clinical testing. Allele origin: unknown.